The following is an entry in ClinVar:

NM_006904.7(PRKDC):c.8579A>G (p.Asp2860Gly)

Genes: PRKDC (protein kinase, DNA-activated, catalytic subunit; minus strand), LOC121740717 (Sharpr-MPRA regulatory region 7649; plus strand). Cytogenetic location: 8q11.21.
Variant type: single nucleotide variant.
Coding change: c.8579A>G on transcript NM_006904.7 (MANE Select); coding-DNA position 8579, A replaced by G.
Protein change: p.Asp2860Gly; replaces aspartic acid 2860 with glycine.
Molecular consequence: missense variant.
Genome position (GRCh38, 1-based): chr8:47,826,860, T>C on the plus strand (A>G on the coding strand, the complement: PRKDC is on the minus strand). VCF-style: chr8-47826860-T-C. GRCh37 (hg19) VCF-style: chr8-48739421-T-C.
Other names: c.8579A>G, p.Asp2860Gly (NM_001081640.2); short protein forms D2860G.
Identifiers: ClinVar variation 1017804 (VCV001017804.3), dbSNP rs899644486, ClinGen allele CA176151412.

ClinVar aggregate classification (germline): Uncertain significance (1 of 4 stars; one submission).

Conditions:
Severe combined immunodeficiency due to DNA-PKcs deficiency. Also called: IMMUNODEFICIENCY 26 WITH NEUROLOGIC ABNORMALITIES; Immunodeficiency 26 with or without neurologic abnormalities. Identifiers: Orphanet 317425, MedGen C4014833, MONDO:0014423, OMIM 615966.

Allele frequency attached by ClinVar (database versions not stated): gnomAD exomes below 0.00001; TOPMed below 0.00001; gnomAD 0.00001.
gnomAD v4.1: 2 of 1,573,150 alleles (0.00013%); highest among the groups gnomAD compares: African/African-American, 0.0013%; no homozygotes.

Submission:

Labcorp Genetics (formerly Invitae), Labcorp
Classification: Uncertain significance for Severe combined immunodeficiency due to DNA-PKcs deficiency. Last evaluated: 2024-10-31. Review status: criteria provided, single submitter. Criteria: Invitae Variant Classification Sherloc (09022015). Collection method: clinical testing. Allele origin: germline.
Comment: This sequence change replaces aspartic acid, which is acidic and polar, with glycine, which is neutral and non-polar, at codon 2860 of the PRKDC protein (p.Asp2860Gly). This variant is not present in population databases (gnomAD no frequency). This variant has not been reported in the literature in individuals affected with PRKDC-related conditions. ClinVar contains an entry for this variant (Variation ID: 1017804). Experimental studies and prediction algorithms are not available or were not evaluated, and the functional significance of this variant is currently unknown. In summary, the available evidence is currently insufficient to determine the role of this variant in disease. Therefore, it has been classified as a Variant of Uncertain Significance.